The following is an entry in ClinVar:

NM_001036.6(RYR3):c.8519C>G (p.Ala2840Gly)

Gene: RYR3 (ryanodine receptor 3; plus strand). Cytogenetic location: 15q14.
Variant type: single nucleotide variant.
Coding change: c.8519C>G on transcript NM_001036.6 (MANE Select); coding-DNA position 8519, C replaced by G.
Protein change: p.Ala2840Gly; replaces alanine 2840 with glycine.
Molecular consequence: missense variant.
Genome position (GRCh38, 1-based): chr15:33,756,309, C>G. VCF-style: chr15-33756309-C-G. GRCh37 (hg19) VCF-style: chr15-34048510-C-G.
Other names: c.8519C>G, p.Ala2840Gly (NM_001243996.4); short protein forms A2840G.
Identifiers: ClinVar variation 531013 (VCV000531013.8), dbSNP rs757827471, ClinGen allele CA7460242.
Genomic context (GRCh38, chr15:33,756,309, plus strand): 5'-GTGACTGATTTTTACTTCGTAACTCTGGCCAACTTTGTGTTACCTGTGTCTTCGTAGAAG[C>G]CATTGTCAGCAGTGGGAAAACTGAAAAGTCTCCCCGTGACCAGGAGATCAAATTCTTTGC-3'
Protein context (NP_001027.3, residues 2830-2850): SAQEFIAHLE[Ala2840Gly]IVSSGKTEKS

ClinVar aggregate classification (germline): Uncertain significance (1 of 4 stars; one submission).

Conditions:
Epileptic encephalopathy. Identifiers: MedGen C0543888, HP:0200134.

Allele frequency attached by ClinVar (database versions not stated): TOPMed 0.00006; gnomAD exomes 0.00003 and 0.00011; gnomAD 0.00005; ExAC 0.00007.
gnomAD v4.1: 155 of 1,574,886 alleles (0.0098%); highest among the groups gnomAD compares: Non-Finnish European, 0.013%; no homozygotes.

Submission:

Labcorp Genetics (formerly Invitae), Labcorp
Classification: Uncertain significance for Epileptic encephalopathy. Last evaluated: 2022-08-09. Review status: criteria provided, single submitter. Criteria: Invitae Variant Classification Sherloc (09022015). Collection method: clinical testing. Allele origin: germline.
Comment: In summary, the available evidence is currently insufficient to determine the role of this variant in disease. Therefore, it has been classified as a Variant of Uncertain Significance. Algorithms developed to predict the effect of missense changes on protein structure and function are either unavailable or do not agree on the potential impact of this missense change (SIFT: "Deleterious"; PolyPhen-2: "Possibly Damaging"; Align-GVGD: "Class C0"). ClinVar contains an entry for this variant (Variation ID: 531013). This variant has not been reported in the literature in individuals affected with RYR3-related conditions. The frequency data for this variant in the population databases is considered unreliable, as metrics indicate poor data quality at this position in the gnomAD database. This sequence change replaces alanine, which is neutral and non-polar, with glycine, which is neutral and non-polar, at codon 2840 of the RYR3 protein (p.Ala2840Gly).